The following is an entry in ClinVar:

NM_023110.3(FGFR1):c.297T>C (p.Tyr99=)

Gene: FGFR1 (fibroblast growth factor receptor 1; minus strand). Cytogenetic location: 8p11.23.
Variant type: single nucleotide variant.
Coding change: c.297T>C on transcript NM_023110.3 (MANE Select); coding-DNA position 297, T replaced by C.
Protein change: p.Tyr99=; no amino-acid change (tyrosine 99 retained).
Molecular consequence: synonymous variant. On other transcripts: intron variant (5).
Genome position (GRCh38, 1-based): chr8:38,429,743, A>G on the plus strand (T>C on the coding strand, the complement: FGFR1 is on the minus strand). VCF-style: chr8-38429743-A-G. GRCh37 (hg19) VCF-style: chr8-38287261-A-G.
Other names: c.297T>C, p.Tyr99= (NM_001174063.2, NM_001174065.2, NM_001354367.2 and 2 more transcripts); c.273T>C, p.Tyr91= (NM_001174064.2); c.396T>C, p.Tyr132= (NM_001174067.2); c.92-1308T>C (NM_001354368.2, NM_001354370.2, NM_023106.3 and 2 more transcripts).
Identifiers: ClinVar variation 391204 (VCV000391204.9), dbSNP rs552562422, ClinGen allele CA4718824.

ClinVar aggregate classification (germline): Benign/Likely benign. Review status: criteria provided, multiple submitters, no conflicts (2 of 4 stars). 4 submissions from 4 submitters: Benign (1); Likely benign (2). 1 of the submissions does not count toward it. Last evaluated 2025-08-18.

Conditions:
Hypogonadotropic hypogonadism 2 with or without anosmia (HH2). Also called: HYPOGONADOTROPIC HYPOGONADISM 2 WITHOUT ANOSMIA; FGFR1-Related GnRH Deficiency (Kallmann Syndrome 2); HYPOGONADOTROPIC HYPOGONADISM 2 WITH OR WITHOUT ANOSMIA, SUSCEPTIBILITY TO; HYPOGONADOTROPIC HYPOGONADISM 2 WITHOUT ANOSMIA, SUSCEPTIBILITY TO. Identifiers: Orphanet 478, MedGen C1563720, MONDO:0007844, OMIM 147950. Disease mechanism: loss of function.
Pfeiffer syndrome (ACS5). Also called: ACS V. Identifiers: Orphanet 710, MedGen C0220658, MONDO:0007043, OMIM 101600.
FGFR1-related disorder. Also called: FGFR1-related condition; FGFR1-related disorders. Identifiers: MedGen CN380097.

Allele frequency attached by ClinVar (database versions not stated): ExAC 0.00005; gnomAD exomes 0.00005 and 0.00011; gnomAD 0.00008 and 0.00009; TOPMed 0.00009; 1000 Genomes Project 30x 0.00016; 1000 Genomes Project 0.00020.
gnomAD v4.1: 160 of 1,591,716 alleles (0.01%); highest among the groups gnomAD compares: Non-Finnish European, 0.013%; no homozygotes.

Submissions (4):

Labcorp Genetics (formerly Invitae), Labcorp
Classification: Benign for Pfeiffer syndrome; Hypogonadotropic hypogonadism 2 with or without anosmia. Last evaluated: 2025-08-18. Review status: criteria provided, single submitter. Criteria: Invitae Variant Classification Sherloc (09022015). Collection method: clinical testing. Allele origin: germline.

Blueprint Genetics
Classification: Likely benign. Last evaluated: 2023-09-18. Review status: criteria provided, single submitter. Criteria: ACMG Guidelines, 2015. Collection method: clinical testing. Allele origin: germline.

GeneDx
Classification: Likely benign. Last evaluated: 2016-12-01. Review status: criteria provided, single submitter. Criteria: GeneDx Variant Classification (06012015). Collection method: clinical testing. Allele origin: germline. Affected: yes.
Comment: This variant is considered likely benign or benign based on one or more of the following criteria: it is a conservative change, it occurs at a poorly conserved position in the protein, it is predicted to be benign by multiple in silico algorithms, and/or has population frequency not consistent with disease.

PreventionGenetics, part of Exact Sciences
Classification: Likely benign for FGFR1-related condition. Last evaluated: 2023-03-21. Review status: no assertion criteria provided. Collection method: clinical testing. Allele origin: germline. Not counted in ClinVar's aggregate classification.
Comment: This variant is classified as likely benign based on ACMG/AMP sequence variant interpretation guidelines (Richards et al. 2015 PMID: 25741868, with internal and published modifications).